The following is an entry in ClinVar:

NM_000180.4(GUCY2D):c.2334C>T (p.Val778=)

Gene: GUCY2D (guanylate cyclase 2D, retinal; plus strand). Cytogenetic location: 17p13.1.
Variant type: single nucleotide variant.
Coding change: c.2334C>T on transcript NM_000180.4 (MANE Select); coding-DNA position 2334, C replaced by T.
Protein change: p.Val778=; no amino-acid change (valine 778 retained).
Molecular consequence: synonymous variant.
Genome position (GRCh38, 1-based): chr17:8,013,950, C>T. VCF-style: chr17-8013950-C-T. GRCh37 (hg19) VCF-style: chr17-7917268-C-T.
Identifiers: ClinVar variation 736725 (VCV000736725.10), dbSNP rs371541944, ClinGen allele CA8366089.

ClinVar aggregate classification (germline): Likely benign. Review status: criteria provided, multiple submitters, no conflicts (2 of 4 stars). 3 submissions from 3 submitters: Likely benign (3). Last evaluated 2026-09-18.

Conditions:
GUCY2D-related disorder. Also called: GUCY2D-related condition.
Cone-rod dystrophy 6 (CORD6). Also called: RETINAL CONE DYSTROPHY 2; Cone dystrophy progressive. Identifiers: Orphanet 1872, MedGen C1866293, MONDO:0011143, OMIM 601777.
Leber congenital amaurosis 1 (LCA1). Also called: RETINAL BLINDNESS, CONGENITAL; AMAUROSIS CONGENITA OF LEBER I; Congenital absence of the rods and cones; Leber's congenital tapetoretinal degeneration; Leber's congenital tapetoretinal dysplasia. Identifiers: Orphanet 65, MedGen C2931258, MONDO:0008764, OMIM 204000.

Allele frequency attached by ClinVar (database versions not stated): gnomAD exomes 0.00001 and 0.00002; ExAC 0.00002; gnomAD 0.00005 and 0.00008; TOPMed 0.00006; ESP Exome Variant Server 0.00008.
gnomAD v4.1: 39 of 1,613,254 alleles (0.0024%); highest among the groups gnomAD compares: African/African-American, 0.015%; no homozygotes.

Submissions (3):

PreventionGenetics, part of Exact Sciences
Classification: Likely benign for GUCY2D-related condition. Last evaluated: 2026-09-18. Review status: criteria provided, single submitter. Criteria: ACMG Guidelines, 2015. Collection method: clinical testing. Allele origin: germline.
Comment: This variant is classified as likely benign based on ACMG/AMP sequence variant interpretation guidelines (Richards et al. 2015 PMID: 25741868, with internal and published modifications).

Labcorp Genetics (formerly Invitae), Labcorp
Classification: Likely benign for Leber congenital amaurosis 1; Cone-rod dystrophy 6. Last evaluated: 2025-08-24. Review status: criteria provided, single submitter. Criteria: Invitae Variant Classification Sherloc (09022015). Collection method: clinical testing. Allele origin: germline.

Blueprint Genetics
Classification: Likely benign. Last evaluated: 2024-11-20. Review status: criteria provided, single submitter. Criteria: ACMG Guidelines, 2015. Collection method: clinical testing. Allele origin: germline.